The following is an entry in ClinVar:

ClinVar aggregate classification (germline): Uncertain significance (1 of 4 stars; one submission).

Conditions:
Pyruvate carboxylase deficiency. Also called: LEIGH NECROTIZING ENCEPHALOPATHY DUE TO PYRUVATE CARBOXYLASE DEFICIENCY; LEIGH SYNDROME DUE TO PYRUVATE CARBOXYLASE DEFICIENCY; PC DEFICIENCY; ATAXIA WITH LACTIC ACIDOSIS II; Pyruvate Carboxylase Deficiency Disease. Identifiers: Orphanet 3008, MedGen C0034341, MONDO:0009949, OMIM 266150.

Allele frequency attached by ClinVar (database versions not stated): gnomAD exomes below 0.00001; TOPMed below 0.00001; ExAC 0.00001; gnomAD 0.00001.

Submission:

Labcorp Genetics (formerly Invitae), Labcorp
Classification: Uncertain significance for Pyruvate carboxylase deficiency. Last evaluated: 2022-01-11. Review status: criteria provided, single submitter. Criteria: Invitae Variant Classification Sherloc (09022015). Collection method: clinical testing. Allele origin: germline.
Comment: This sequence change replaces arginine, which is basic and polar, with cysteine, which is neutral and slightly polar, at codon 583 of the PC protein (p.Arg583Cys). This variant is present in population databases (rs753516375, gnomAD 0.0009%). This variant has not been reported in the literature in individuals affected with PC-related conditions. Algorithms developed to predict the effect of missense changes on protein structure and function are either unavailable or do not agree on the potential impact of this missense change (SIFT: "Deleterious"; PolyPhen-2: "Probably Damaging"; Align-GVGD: "Class C0"). In summary, the available evidence is currently insufficient to determine the role of this variant in disease. Therefore, it has been classified as a Variant of Uncertain Significance.

NM_001040716.2(PC):c.1747C>T (p.Arg583Cys)

Gene: PC (pyruvate carboxylase; minus strand). Cytogenetic location: 11q13.2.
Variant type: single nucleotide variant.
Coding change: c.1747C>T on transcript NM_001040716.2 (MANE Select); coding-DNA position 1747, C replaced by T.
Protein change: p.Arg583Cys; replaces arginine 583 with cysteine.
Molecular consequence: missense variant.
Genome position (GRCh38, 1-based): chr11:66,852,517, G>A on the plus strand (C>T on the coding strand, the complement: PC is on the minus strand). VCF-style: chr11-66852517-G-A. GRCh37 (hg19) VCF-style: chr11-66619988-G-A.
Other names: c.1747C>T, p.Arg583Cys (NM_000920.4, NM_022172.3); short protein forms R583C.
Identifiers: ClinVar variation 2141155 (VCV002141155.1), dbSNP rs753516375, ClinGen allele CA6131281.